The following is an entry in ClinVar:

NM_000489.6(ATRX):c.1655C>G (p.Thr552Ser)

Gene: ATRX (ATRX chromatin remodeler; minus strand). Cytogenetic location: Xq21.1.
Variant type: single nucleotide variant.
Coding change: c.1655C>G on transcript NM_000489.6 (MANE Select); coding-DNA position 1655, C replaced by G.
Protein change: p.Thr552Ser; replaces threonine 552 with serine.
Molecular consequence: missense variant.
Genome position (GRCh38, 1-based): chrX:77,683,601, G>C on the plus strand (C>G on the coding strand, the complement: ATRX is on the minus strand). VCF-style: chrX-77683601-G-C. GRCh37 (hg19) VCF-style: chrX-76939093-G-C.
Other names: c.1541C>G, p.Thr514Ser (NM_138270.5); short protein forms T514S, T552S.
Identifiers: ClinVar variation 1028787 (VCV001028787.1), dbSNP rs2071378519, ClinGen allele CA413717063.

ClinVar aggregate classification (germline): Uncertain significance (1 of 4 stars; one submission).

Conditions:
Alpha thalassemia-X-linked intellectual disability syndrome (ATRX). Also called: ALPHA-THALASSEMIA/MENTAL RETARDATION SYNDROME, X-LINKED; ATR, NONDELETION TYPE; ATR-X syndrome; Alpha thalassemia mental retardation syndrome, nondeletion type, X-linked; XLMR hypotonic face syndrome; X-linked alpha-thalassemia-mental retardation syndrome. Identifiers: Orphanet 847, MedGen C1845055, MONDO:0010519, OMIM 301040.

Submission:

Baylor Genetics
Classification: Uncertain significance for Alpha thalassemia-X-linked intellectual disability syndrome. Last evaluated: 2020-03-23. Review status: criteria provided, single submitter. Criteria: ACMG Guidelines, 2015. Collection method: clinical testing. Allele origin: unknown. Affected: yes.
Comment: This variant was determined to be of uncertain significance according to ACMG Guidelines, 2015 [PMID:25741868].